The following is an entry in ClinVar:

ClinVar aggregate classification (germline): Uncertain significance (1 of 4 stars; one submission).

Conditions:
DICER1-related tumor predisposition. Also called: DICER1-related pleuropulmonary blastoma cancer predisposition syndrome; DICER1 syndrome. Identifiers: Orphanet 284343, MedGen C3839822, MONDO:0100216.

Submission:

Labcorp Genetics (formerly Invitae), Labcorp
Classification: Uncertain significance for DICER1-related tumor predisposition. Last evaluated: 2023-12-08. Review status: criteria provided, single submitter. Criteria: Invitae Variant Classification Sherloc (09022015). Collection method: clinical testing. Allele origin: germline.
Comment: This sequence change replaces tyrosine, which is neutral and polar, with cysteine, which is neutral and slightly polar, at codon 401 of the DICER1 protein (p.Tyr401Cys). This variant is present in population databases (no rsID available, gnomAD 0.0009%). This variant has not been reported in the literature in individuals affected with DICER1-related conditions. An algorithm developed to predict the effect of missense changes on protein structure and function (PolyPhen-2) suggests that this variant is likely to be disruptive. In summary, the available evidence is currently insufficient to determine the role of this variant in disease. Therefore, it has been classified as a Variant of Uncertain Significance.

NM_177438.3(DICER1):c.1202A>G (p.Tyr401Cys)

Gene: DICER1 (dicer 1, ribonuclease III; minus strand). Cytogenetic location: 14q32.13.
Variant type: single nucleotide variant.
Coding change: c.1202A>G on transcript NM_177438.3 (MANE Select); coding-DNA position 1202, A replaced by G.
Protein change: p.Tyr401Cys; replaces tyrosine 401 with cysteine.
Molecular consequence: missense variant. On other transcripts: non-coding transcript variant (6), 5 prime UTR variant (1).
Genome position (GRCh38, 1-based): chr14:95,124,370, T>C on the plus strand (A>G on the coding strand, the complement: DICER1 is on the minus strand). VCF-style: chr14-95124370-T-C. GRCh37 (hg19) VCF-style: chr14-95590707-T-C.
Other names: c.1202A>G, p.Tyr401Cys (NM_001195573.1, NM_001271282.3, NM_001291628.2 and 15 more transcripts); c.920A>G, p.Tyr307Cys (NM_001395686.1); c.797A>G, p.Tyr266Cys (NM_001395687.1, NM_001395688.1, NM_001395689.1 and 3 more transcripts); c.635A>G, p.Tyr212Cys (NM_001395691.1); c.-367A>G (NM_001395697.1); short protein forms Y266C, Y307C, Y401C, Y212C.
Identifiers: ClinVar variation 2907212 (VCV002907212.3), dbSNP rs1355146488, ClinGen allele CA390886718.
Genomic context (GRCh38, chr14:95,124,370, plus strand): 5'-TCCTCATCATCATCCTCAGAATCACTCCATGACACATAATTATCCTGATTTCTATTATTA[T>C]ACCACTCAACGCTTTCAAACTGCTGTCGCTCATATGGTTTATATTTGCGTAAGATTTCGA-3'
Protein context (NP_803187.1, residues 391-411): ERQQFESVEW[Tyr401Cys]NNRNQDNYVS